The following is an entry in ClinVar:

NM_173842.3(IL1RN):c.388A>G (p.Ser130Gly)

Gene: IL1RN (interleukin 1 receptor antagonist; plus strand). Cytogenetic location: 2q14.1.
Variant type: single nucleotide variant.
Coding change: c.388A>G on transcript NM_173842.3 (MANE Select); coding-DNA position 388, A replaced by G.
Protein change: p.Ser130Gly; replaces serine 130 with glycine.
Molecular consequence: missense variant.
Genome position (GRCh38, 1-based): chr2:113,132,725, A>G. VCF-style: chr2-113132725-A-G. GRCh37 (hg19) VCF-style: chr2-113890302-A-G.
Other names: c.334A>G, p.Ser112Gly (NM_000577.5); c.286A>G, p.Ser96Gly (NM_001318914.2, NM_001379360.1, NM_173843.3); c.397A>G, p.Ser133Gly (NM_173841.3); short protein forms S133G, S112G, S130G, S96G.
Identifiers: ClinVar variation 1037248 (VCV001037248.7), dbSNP rs1687216601, ClinGen allele CA348296073.

ClinVar aggregate classification (germline): Uncertain significance (1 of 4 stars; one submission).

Conditions:
Sterile multifocal osteomyelitis with periostitis and pustulosis. Also called: CHRONIC RECURRENT MULTIFOCAL OSTEOMYELITIS 2, WITH PERIOSTITIS AND PUSTULOSIS. Identifiers: Orphanet 210115, MedGen C2748507, MONDO:0013021, OMIM 612852.

Allele frequency attached by ClinVar (database versions not stated): TOPMed below 0.00001; gnomAD 0.00001.
gnomAD v4.1: 5 of 1,614,130 alleles (0.00031%); highest among the groups gnomAD compares: South Asian, 0.0044%; no homozygotes.

Submission:

Labcorp Genetics (formerly Invitae), Labcorp
Classification: Uncertain significance for Sterile multifocal osteomyelitis with periostitis and pustulosis. Last evaluated: 2025-04-07. Review status: criteria provided, single submitter. Criteria: Invitae Variant Classification Sherloc (09022015). Collection method: clinical testing. Allele origin: germline.
Comment: This sequence change replaces serine, which is neutral and polar, with glycine, which is neutral and non-polar, at codon 133 of the IL1RN protein (p.Ser133Gly). This variant is not present in population databases (gnomAD no frequency). This variant has not been reported in the literature in individuals affected with IL1RN-related conditions. ClinVar contains an entry for this variant (Variation ID: 1037248). An algorithm developed to predict the effect of missense changes on protein structure and function (PolyPhen-2) suggests that this variant is likely to be tolerated. In summary, the available evidence is currently insufficient to determine the role of this variant in disease. Therefore, it has been classified as a Variant of Uncertain Significance.